The following is an entry in ClinVar:

ClinVar aggregate classification (germline): Uncertain significance (1 of 4 stars; one submission).

Conditions:
Melanoma, cutaneous malignant, susceptibility to, 8. Also called: MELANOMA AND RENAL CELL CARCINOMA, SUSCEPTIBILITY TO; Cutaneous malignant melanoma 8. Identifiers: Orphanet 293822, MedGen C3152204, MONDO:0013759, OMIM 614456.
Tietz syndrome (TADS). Also called: ALBINISM-DEAFNESS OF TIETZ; HYPOPIGMENTATION/DEAFNESS OF TIETZ; TIETZ ALBINISM-DEAFNESS SYNDROME. Identifiers: Orphanet 42665, MedGen C0391816, MONDO:0007077, OMIM 103500.
Waardenburg syndrome type 2A (WS2A). Also called: WAARDENBURG SYNDROME WITHOUT DYSTOPIA CANTHORUM. Identifiers: Orphanet 3440, MedGen C1860339, MONDO:0008671, OMIM 193510.

Submission:

Labcorp Genetics (formerly Invitae), Labcorp
Classification: Uncertain significance for Melanoma, cutaneous malignant, susceptibility to, 8; Waardenburg syndrome type 2A; Tietz syndrome. Last evaluated: 2024-11-18. Review status: criteria provided, single submitter. Criteria: Invitae Variant Classification Sherloc (09022015). Collection method: clinical testing. Allele origin: germline.
Comment: This sequence change replaces proline, which is neutral and non-polar, with leucine, which is neutral and non-polar, at codon 175 of the MITF protein (p.Pro175Leu). This variant is not present in population databases (gnomAD no frequency). This variant has not been reported in the literature in individuals affected with MITF-related conditions. Invitae Evidence Modeling of protein sequence and biophysical properties (such as structural, functional, and spatial information, amino acid conservation, physicochemical variation, residue mobility, and thermodynamic stability) indicates that this missense variant is not expected to disrupt MITF protein function with a negative predictive value of 80%. In summary, the available evidence is currently insufficient to determine the role of this variant in disease. Therefore, it has been classified as a Variant of Uncertain Significance.

NM_001354604.2(MITF):c.845C>T (p.Pro282Leu)

Gene: MITF (melanocyte inducing transcription factor; plus strand). Cytogenetic location: 3p13.
Variant type: single nucleotide variant.
Coding change: c.845C>T on transcript NM_001354604.2 (MANE Select); coding-DNA position 845, C replaced by T.
Protein change: p.Pro282Leu; replaces proline 282 with leucine.
Molecular consequence: missense variant.
Genome position (GRCh38, 1-based): chr3:69,949,133, C>T. VCF-style: chr3-69949133-C-T. GRCh37 (hg19) VCF-style: chr3-69998284-C-T.
Other names: c.524C>T, p.Pro175Leu (NM_000248.4, NM_198158.3); c.689C>T, p.Pro230Leu (NM_001184967.2, NM_001354608.2); c.842C>T, p.Pro281Leu (NM_001354605.2, NM_001354606.2, NM_006722.3); c.794C>T, p.Pro265Leu (NM_001354607.2); c.845C>T, p.Pro282Leu (NM_198159.3); c.797C>T, p.Pro266Leu (NM_198177.3); c.356C>T, p.Pro119Leu (NM_198178.3); short protein forms P119L, P175L, P230L, P265L, P266L, P281L, P282L.
Identifiers: ClinVar variation 3758219 (VCV003758219.2).
Genomic context (GRCh38, chr3:69,949,133, plus strand): 5'-TTGATCTTTATGGAAACCAAGGTCTGCCCCCACCAGGCCTCACCATCAGCAACTCCTGTC[C>T]AGCCAACCTTCCCAACATAAAAAGGGAGCTCACAGGTAAACACCTAGTAAATGTGCCTCT-3'
Protein context (NP_001341533.1, residues 272-292): PPGLTISNSC[Pro282Leu]ANLPNIKREL